The following is an entry in ClinVar:

ClinVar aggregate classification (germline): Pathogenic (1 of 4 stars; one submission).

Conditions:
Familial adenomatous polyposis 1 (FAP1). Also called: FAMILIAL ADENOMATOUS POLYPOSIS 1, ATTENUATED; POLYPOSIS, ADENOMATOUS INTESTINAL. Identifiers: MedGen C2713442, MONDO:0021056, OMIM 175100. Disease mechanism: loss of function.

Submission:

Labcorp Genetics (formerly Invitae), Labcorp
Classification: Pathogenic for Familial adenomatous polyposis 1. Last evaluated: 2022-01-28. Review status: criteria provided, single submitter. Criteria: Invitae Variant Classification Sherloc (09022015). Collection method: clinical testing. Allele origin: germline.
Comment: For these reasons, this variant has been classified as Pathogenic. A different truncation (p.Tyr2645Lysfs*14) that lies downstream of this variant has been determined to be pathogenic (PMID: 9824584, 1316610, 27081525, 8381579, 22135120, Invitae). This suggests that deletion of this region of the APC protein is causative of disease. This variant is expected to disrupt the EB1 and HDLG binding sites, which mediate interactions with the cytoskeleton (PMID: 15311282, 17293347). While functional studies have not been performed to directly test the effect on APC protein function, this suggests that disruption of the C-terminal portion of the protein is functionally important. ClinVar contains an entry for this variant (Variation ID: 582631). This variant has not been reported in the literature in individuals affected with APC-related conditions. This variant is not present in population databases (gnomAD no frequency). This sequence change creates a premature translational stop signal (p.Ser780Valfs*40) in the APC gene. While this is not anticipated to result in nonsense mediated decay, it is expected to disrupt the last 2064 amino acid(s) of the APC protein.

Literature cited by the submitters: PubMed 9824584; PubMed 1316610; PubMed 27081525; PubMed 8381579; PubMed 22135120; PubMed 15311282; PubMed 17293347.

NM_000038.6(APC):c.2338del (p.Ser780fs)

Gene: APC (APC regulator of Wnt signaling pathway; plus strand). Cytogenetic location: 5q22.2.
Variant type: Deletion.
Coding change: c.2338del on transcript NM_000038.6 (MANE Select); coding-DNA position 2338, one base deleted (A; older notation c.2338delA).
Protein change: p.Ser780fs; shifts the reading frame from serine 780.
Molecular consequence: frameshift variant.
Genome position (GRCh38, 1-based): chr5:112,837,932, A deleted; the last of 2 consecutive A bases (chr5:112,837,931-112,837,932); deleting either gives the same sequence. VCF-style (leftmost placement, unchanged base first): chr5-112837930-TA-T. GRCh37 (hg19) VCF-style: chr5-112173627-TA-T.
Other names: c.2338del, p.Ser780fs (NM_001127510.3, NM_001354895.2); c.2284del, p.Ser762fs (NM_001127511.3); c.2392del, p.Ser798fs (NM_001354896.2); c.2368del, p.Ser790fs (NM_001354897.2); c.2263del, p.Ser755fs (NM_001354898.2); c.2254del, p.Ser752fs (NM_001354899.2); c.2215del, p.Ser739fs (NM_001354900.2); c.2161del, p.Ser721fs (NM_001354901.2); and 5 more; short protein forms S689fs, S721fs, S780fs, S790fs, S620fs, S654fs, S679fs, S752fs.
Identifiers: ClinVar variation 582631 (VCV000582631.10), dbSNP rs1561576308, ClinGen allele CA891842601.